The following is an entry in ClinVar:

ClinVar aggregate classification (germline): Uncertain significance. Review status: criteria provided, multiple submitters, no conflicts (2 of 4 stars). 2 submissions from 2 submitters: Uncertain significance (2). Last evaluated 2022-03-21.

Conditions:
Congenital sideroblastic anemia-B-cell immunodeficiency-periodic fever-developmental delay syndrome. Also called: Sideroblastic anemia with B-cell immunodeficiency, periodic fevers, and developmental delay. Identifiers: Orphanet 369861, MedGen C4015172, MONDO:0014487, OMIM 616084.

Allele frequency attached by ClinVar (database versions not stated): gnomAD exomes below 0.00001.
gnomAD v4.1: 3 of 1,611,880 alleles (0.00019%); highest among the groups gnomAD compares: Admixed American, 0.0017%; no homozygotes.

Submissions (2):

GeneDx
Classification: Uncertain significance. Last evaluated: 2022-03-21. Review status: criteria provided, single submitter. Criteria: GeneDx Variant Classification Process June 2021. Collection method: clinical testing. Allele origin: germline. Affected: yes.
Comment: Not observed at significant frequency in large population cohorts (gnomAD); In silico analysis supports that this missense variant does not alter protein structure/function; Has not been previously published as pathogenic or benign to our knowledge

Labcorp Genetics (formerly Invitae), Labcorp
Classification: Uncertain significance for Congenital sideroblastic anemia-B-cell immunodeficiency-periodic fever-developmental delay syndrome. Last evaluated: 2022-03-13. Review status: criteria provided, single submitter. Criteria: Invitae Variant Classification Sherloc (09022015). Collection method: clinical testing. Allele origin: germline.
Comment: This sequence change replaces threonine, which is neutral and polar, with serine, which is neutral and polar, at codon 434 of the TRNT1 protein (p.Thr434Ser). This variant is present in population databases (no rsID available, gnomAD no frequency). This variant has not been reported in the literature in individuals affected with TRNT1-related conditions. Algorithms developed to predict the effect of missense changes on protein structure and function output the following: SIFT: "Tolerated"; PolyPhen-2: "Benign"; Align-GVGD: "Class C0". The serine amino acid residue is found in multiple mammalian species, which suggests that this missense change does not adversely affect protein function. In summary, the available evidence is currently insufficient to determine the role of this variant in disease. Therefore, it has been classified as a Variant of Uncertain Significance.

NM_182916.3(TRNT1):c.1300A>T (p.Thr434Ser)

Gene: TRNT1 (tRNA nucleotidyl transferase 1; plus strand). Cytogenetic location: 3p26.2.
Variant type: single nucleotide variant.
Coding change: c.1300A>T on transcript NM_182916.3 (MANE Select); coding-DNA position 1300, A replaced by T.
Protein change: p.Thr434Ser; replaces threonine 434 with serine.
Molecular consequence: missense variant. On other transcripts: non-coding transcript variant (8).
Genome position (GRCh38, 1-based): chr3:3,148,149, A>T. VCF-style: chr3-3148149-A-T. GRCh37 (hg19) VCF-style: chr3-3189833-A-T.
Other names: c.1240A>T, p.Thr414Ser (NM_001302946.2); c.1300A>T, p.Thr434Ser (NM_001367321.1, NM_001367322.1, NM_001367323.1); short protein forms T414S, T434S.
Identifiers: ClinVar variation 1707207 (VCV001707207.4), dbSNP rs1219909785, ClinGen allele CA351449239.